The following is an entry in ClinVar:

ClinVar aggregate classification (germline): Conflicting classifications of pathogenicity. Review status: criteria provided, conflicting classifications (1 of 4 stars). 3 submissions from 3 submitters: Uncertain significance (1); Likely benign (1). 1 of the submissions does not count toward it. Last evaluated 2024-06-28.

Conditions:
Alstrom syndrome (ALMS). Identifiers: Orphanet 64, MedGen C0268425, MONDO:0008763, OMIM 203800.
Cardiovascular phenotype. Identifiers: MedGen CN230736.

Allele frequency attached by ClinVar (database versions not stated): ExAC 0.00001; gnomAD 0.00001; gnomAD exomes 0.00001; TOPMed 0.00001.
gnomAD v4.1: 11 of 1,614,014 alleles (0.00068%); highest among the groups gnomAD compares: African/African-American, 0.0013%; no homozygotes.

Submissions (3):

Ambry Genetics
Classification: Likely benign for Cardiovascular phenotype. Last evaluated: 2024-06-28. Review status: criteria provided, single submitter. Criteria: Ambry Variant Classification Scheme 2023. Collection method: clinical testing. Allele origin: germline.

Labcorp Genetics (formerly Invitae), Labcorp
Classification: Uncertain significance for Alstrom syndrome. Last evaluated: 2022-08-15. Review status: criteria provided, single submitter. Criteria: Invitae Variant Classification Sherloc (09022015). Collection method: clinical testing. Allele origin: germline.
Comment: This sequence change replaces threonine, which is neutral and polar, with alanine, which is neutral and non-polar, at codon 849 of the ALMS1 protein (p.Thr849Ala). This variant is present in population databases (rs777811953, gnomAD 0.002%). This variant has not been reported in the literature in individuals affected with ALMS1-related conditions. ClinVar contains an entry for this variant (Variation ID: 1001004). In summary, the available evidence is currently insufficient to determine the role of this variant in disease. Therefore, it has been classified as a Variant of Uncertain Significance.

Natera, Inc.
Classification: Uncertain significance for Alstrom syndrome. Last evaluated: 2021-10-14. Review status: no assertion criteria provided. Collection method: clinical testing. Allele origin: germline. Not counted in ClinVar's aggregate classification.

NM_001378454.1(ALMS1):c.2542A>G (p.Thr848Ala)

Gene: ALMS1 (ALMS1 centrosome and basal body associated protein; plus strand). Cytogenetic location: 2p13.1.
Variant type: single nucleotide variant.
Coding change: c.2542A>G on transcript NM_001378454.1 (MANE Select); coding-DNA position 2542, A replaced by G.
Protein change: p.Thr848Ala; replaces threonine 848 with alanine.
Molecular consequence: missense variant.
Genome position (GRCh38, 1-based): chr2:73,449,069, A>G. VCF-style: chr2-73449069-A-G. GRCh37 (hg19) VCF-style: chr2-73676196-A-G.
Other names: c.2545A>G, p.Thr849Ala (NM_015120.4); short protein forms T848A, T849A.
Identifiers: ClinVar variation 1001004 (VCV001001004.9), dbSNP rs777811953, ClinGen allele CA1713376.